The following is an entry in ClinVar:

ClinVar aggregate classification (germline): Conflicting classifications of pathogenicity. Review status: criteria provided, conflicting classifications (1 of 4 stars). 2 submissions from 2 submitters: Uncertain significance (1); Likely benign (1). Last evaluated 2025-05-05.

Conditions:
ACADL-related disorder. Also called: ACADL-related condition.

Submissions (2):

PreventionGenetics, part of Exact Sciences
Classification: Uncertain significance for ACADL-related condition. Last evaluated: 2025-05-05. Review status: criteria provided, single submitter. Criteria: ACMG Guidelines, 2015. Collection method: clinical testing. Allele origin: germline.
Comment: The ACADL c.928_933delinsCATGAATGTTATGTTT variant is predicted to result in a frameshift and premature protein termination (p.Thr310Hisfs*6). To our knowledge, this variant has not been reported in the literature or in a large population database (gnomAD), indicating this variant is rare. At this time, the clinical significance of this variant is uncertain due to the absence of conclusive functional and genetic evidence.

CeGaT Center for Human Genetics Tuebingen
Classification: Likely benign. Last evaluated: 2021-10-01. Review status: criteria provided, single submitter. Criteria: CeGaT Center For Human Genetics Tuebingen Variant Classification Criteria Version 2. Collection method: clinical testing. Allele origin: germline. Affected: yes. Observed: 1 variant allele.

NM_001608.4(ACADL):c.928_933delinsCATGAATGTTATGTTT (p.Thr310fs)

Gene: ACADL (acyl-CoA dehydrogenase long chain; minus strand). Cytogenetic location: 2q34.
Variant type: Indel.
Coding change: c.928_933delinsCATGAATGTTATGTTT on transcript NM_001608.4 (MANE Select); coding-DNA positions 928 to 933, ACCAGG replaced by CATGAATGTTATGTTT.
Protein change: p.Thr310fs; shifts the reading frame from threonine 310.
Molecular consequence: frameshift variant.
Genome position (GRCh38, 1-based): chr2:210,203,382-210,203,387, CCTGGT replaced by AAACATAACATTCATG on the plus strand (ACCAGG replaced by CATGAATGTTATGTTT on the coding strand, the reverse complement: ACADL is on the minus strand). VCF-style: chr2-210203382-CCTGGT-AAACATAACATTCATG. GRCh37 (hg19) VCF-style: chr2-211068106-CCTGGT-AAACATAACATTCATG.
Other names: c.928_933delinsCATGAATGTTATGTTT (NM_001608.3); short protein forms T310fs.
Identifiers: ClinVar variation 632339 (VCV000632339.36), dbSNP rs1559636157, ClinGen allele CA913190042.